The following is an entry in ClinVar:

NM_000182.5(HADHA):c.573+321G>A

Gene: HADHA (hydroxyacyl-CoA dehydrogenase trifunctional multienzyme complex subunit alpha; minus strand). Cytogenetic location: 2p23.3.
Variant type: single nucleotide variant.
Coding change: c.573+321G>A on transcript NM_000182.5 (MANE Select); 321 bases into the intron after coding-DNA position 573, G replaced by A.
Molecular consequence: intron variant.
Genome position (GRCh38, 1-based): chr2:26,231,839, C>T on the plus strand (G>A on the coding strand, the complement: HADHA is on the minus strand). VCF-style: chr2-26231839-C-T. GRCh37 (hg19) VCF-style: chr2-26454707-C-T.
Identifiers: ClinVar variation 680601 (VCV000680601.1), dbSNP rs13006973, ClinGen allele CA11181517.

ClinVar aggregate classification (germline): Benign (1 of 4 stars; one submission).

Allele frequency attached by ClinVar (database versions not stated): 1000 Genomes Project 30x 0.14413; 1000 Genomes Project 0.14736; TOPMed 0.16466.
gnomAD v4.1: 26,983 of 151,862 alleles (18%); highest among the groups gnomAD compares: Middle Eastern, 26%; 2,757 homozygotes.

Submission:

GeneDx
Classification: Benign. Last evaluated: 2018-06-19. Review status: criteria provided, single submitter. Criteria: GeneDx Variant Classification (06012015). Collection method: clinical testing. Allele origin: germline. Affected: yes.
Comment: This variant is considered likely benign or benign based on one or more of the following criteria: it is a conservative change, it occurs at a poorly conserved position in the protein, it is predicted to be benign by multiple in silico algorithms, and/or has population frequency not consistent with disease.